The following is an entry in ClinVar:

NM_001378969.1(KCND3):c.623G>T (p.Gly208Val)

Gene: KCND3 (potassium voltage-gated channel subfamily D member 3; minus strand). Cytogenetic location: 1p13.2.
Variant type: single nucleotide variant.
Coding change: c.623G>T on transcript NM_001378969.1 (MANE Select); coding-DNA position 623, G replaced by T.
Protein change: p.Gly208Val; replaces glycine 208 with valine.
Molecular consequence: missense variant.
Genome position (GRCh38, 1-based): chr1:111,982,104, C>A on the plus strand (G>T on the coding strand, the complement: KCND3 is on the minus strand). VCF-style: chr1-111982104-C-A. GRCh37 (hg19) VCF-style: chr1-112524726-C-A.
Other names: c.623G>T, p.Gly208Val (NM_001378970.1, NM_004980.5, NM_172198.3); short protein forms G208V.
Identifiers: ClinVar variation 3897126 (VCV003897126.1).
Genomic context (GRCh38, chr1:111,982,104, plus strand): 5'-CAGAAGAAGGCCACCGAGTAGCGCTCCCCGCACGGCAGCTCCTTGCTGCCCGGGACCGTG[C>A]CGCACGGCACCGTCTCCACCACGTTGGTGATGACCGAGACAGCGATGAAGAAGCCAGTCA-3'
Protein context (NP_001365898.1, residues 198-218): ITNVVETVPC[Gly208Val]TVPGSKELPC

ClinVar aggregate classification (germline): Uncertain significance (1 of 4 stars; one submission).

Submission:

GeneDx
Classification: Uncertain significance. Last evaluated: 2024-11-04. Review status: criteria provided, single submitter. Criteria: GeneDx Variant Classification Process June 2021. Collection method: clinical testing. Allele origin: germline. Affected: yes.
Comment: Not observed at significant frequency in large population cohorts (gnomAD); In silico analysis supports that this missense variant has a deleterious effect on protein structure/function; Has not been previously published as pathogenic or benign to our knowledge